The following is an entry in ClinVar:

NM_015271.5(TRIM2):c.111T>A (p.Ser37Arg)

Gene: TRIM2 (tripartite motif containing 2; plus strand). Cytogenetic location: 4q31.3.
Variant type: single nucleotide variant.
Coding change: c.111T>A on transcript NM_015271.5 (MANE Select); coding-DNA position 111, T replaced by A.
Protein change: p.Ser37Arg; replaces serine 37 with arginine.
Molecular consequence: missense variant. On other transcripts: 5 prime UTR variant (3), intron variant (1).
Genome position (GRCh38, 1-based): chr4:153,270,415, T>A. VCF-style: chr4-153270415-T-A. GRCh37 (hg19) VCF-style: chr4-154191567-T-A.
Other names: c.30T>A, p.Ser10Arg (NM_001130067.2, NM_001351056.2, NM_001375512.1 and 5 more transcripts); c.111T>A, p.Ser37Arg (NM_001302692.2, NM_001375488.1, NM_001375490.1 and 1 more transcripts); c.108T>A, p.Ser36Arg (NM_001302693.2, NM_001375489.1, NM_001375491.1 and 1 more transcripts); c.84T>A, p.Ser28Arg (NM_001302694.2, NM_001351054.2); c.81T>A, p.Ser27Arg (NM_001351055.2); c.-447T>A (NM_001351057.2); c.-179T>A (NM_001375522.1, NM_001375523.1); c.-124-5478T>A (NM_001375525.1); short protein forms S27R, S36R, S37R, S10R, S28R.
Identifiers: ClinVar variation 2709906 (VCV002709906.3), dbSNP rs2546382153, ClinGen allele CA358469043.

ClinVar aggregate classification (germline): Uncertain significance (1 of 4 stars; one submission).

Conditions:
Charcot-Marie-Tooth disease type 2R. Also called: Charcot-Marie-Tooth disease, axonal, type 2R; CHARCOT-MARIE-TOOTH DISEASE, AXONAL, AUTOSOMAL RECESSIVE, TYPE 2R; CHARCOT-MARIE-TOOTH NEUROPATHY, TYPE 2R. Identifiers: Orphanet 397968, MedGen C3809655, MONDO:0014208, OMIM 615490.

Submission:

Labcorp Genetics (formerly Invitae), Labcorp
Classification: Uncertain significance for Charcot-Marie-Tooth disease type 2R. Last evaluated: 2024-01-17. Review status: criteria provided, single submitter. Criteria: Invitae Variant Classification Sherloc (09022015). Collection method: clinical testing. Allele origin: germline.
Comment: This sequence change replaces serine, which is neutral and polar, with arginine, which is basic and polar, at codon 10 of the TRIM2 protein (p.Ser10Arg). This variant is not present in population databases (gnomAD no frequency). This variant has not been reported in the literature in individuals affected with TRIM2-related conditions. An algorithm developed to predict the effect of missense changes on protein structure and function (PolyPhen-2) suggests that this variant is likely to be disruptive. In summary, the available evidence is currently insufficient to determine the role of this variant in disease. Therefore, it has been classified as a Variant of Uncertain Significance.